The following is an entry in ClinVar:

ClinVar aggregate classification (germline): Uncertain significance. Review status: criteria provided, multiple submitters, no conflicts (2 of 4 stars). 2 submissions from 2 submitters: Uncertain significance (2). Last evaluated 2024-06-12.

Conditions:
Wolcott-Rallison dysplasia. Also called: Wolcott-Rallison syndrome; MED-IDDM SYNDROME. Identifiers: Orphanet 1667, MedGen C0432217, MONDO:0009192, OMIM 226980.

Allele frequency attached by ClinVar (database versions not stated): TOPMed 0.00001; ExAC 0.00002; gnomAD 0.00003.
gnomAD v4.1: 24 of 1,614,008 alleles (0.0015%); highest among the groups gnomAD compares: Middle Eastern, 0.033%; no homozygotes.

Submissions (2):

Fulgent Genetics
Classification: Uncertain significance for Wolcott-Rallison dysplasia. Last evaluated: 2024-06-12. Review status: criteria provided, single submitter. Criteria: ACMG Guidelines, 2015. Collection method: clinical testing. Allele origin: germline.

Labcorp Genetics (formerly Invitae), Labcorp
Classification: Uncertain significance. Last evaluated: 2022-06-16. Review status: criteria provided, single submitter. Criteria: Invitae Variant Classification Sherloc (09022015). Collection method: clinical testing. Allele origin: germline.
Comment: This sequence change replaces arginine, which is basic and polar, with histidine, which is basic and polar, at codon 251 of the EIF2AK3 protein (p.Arg251His). This variant is present in population databases (rs558872999, gnomAD 0.01%). This variant has not been reported in the literature in individuals affected with EIF2AK3-related conditions. Algorithms developed to predict the effect of missense changes on protein structure and function are either unavailable or do not agree on the potential impact of this missense change (SIFT: "Tolerated"; PolyPhen-2: "Possibly Damaging"; Align-GVGD: "Class C0"). In summary, the available evidence is currently insufficient to determine the role of this variant in disease. Therefore, it has been classified as a Variant of Uncertain Significance.

NM_004836.7(EIF2AK3):c.752G>A (p.Arg251His)

Gene: EIF2AK3 (eukaryotic translation initiation factor 2 alpha kinase 3; minus strand). Cytogenetic location: 2p11.2.
Variant type: single nucleotide variant.
Coding change: c.752G>A on transcript NM_004836.7 (MANE Select); coding-DNA position 752, G replaced by A.
Protein change: p.Arg251His; replaces arginine 251 with histidine.
Molecular consequence: missense variant.
Genome position (GRCh38, 1-based): chr2:88,593,287, C>T on the plus strand (G>A on the coding strand, the complement: EIF2AK3 is on the minus strand). VCF-style: chr2-88593287-C-T. GRCh37 (hg19) VCF-style: chr2-88892805-C-T.
Other names: c.299G>A, p.Arg100His (NM_001313915.2); short protein forms R100H, R251H.
Identifiers: ClinVar variation 1901788 (VCV001901788.3), dbSNP rs558872999, ClinGen allele CA1754854.